The following is an entry in ClinVar:

ClinVar aggregate classification (germline): Uncertain significance. Review status: criteria provided, multiple submitters, no conflicts (2 of 4 stars). 2 submissions from 2 submitters: Uncertain significance (2). Last evaluated 2021-07-27.

Conditions:
Inborn genetic diseases. Identifiers: MedGen C0950123, MeSH D030342.
Asphyxiating thoracic dystrophy 5 (SRTD5). Also called: SHORT-RIB THORACIC DYSPLASIA 5 WITH OR WITHOUT POLYDACTYLY; SHORT-RIB THORACIC DYSPLASIA 5 WITHOUT POLYDACTYLY. Identifiers: Orphanet 474, MedGen C3280598, MONDO:0013717, OMIM 614376.
Senior-Loken syndrome 8 (SLSN8). Identifiers: Orphanet 3156, MedGen C4225376, MONDO:0014579, OMIM 616307.

Allele frequency attached by ClinVar (database versions not stated): gnomAD exomes below 0.00001 and 0.00002; gnomAD 0.00003; TOPMed 0.00003.
gnomAD v4.1: 34 of 1,613,734 alleles (0.0021%); highest among the groups gnomAD compares: Non-Finnish European, 0.0029%; no homozygotes.

Submissions (2):

Ambry Genetics
Classification: Uncertain significance for Inborn genetic diseases. Last evaluated: 2021-07-27. Review status: criteria provided, single submitter. Criteria: Ambry Variant Classification Scheme 2023. Collection method: clinical testing. Allele origin: germline.

Labcorp Genetics (formerly Invitae), Labcorp
Classification: Uncertain significance for Senior-Loken syndrome 8; Asphyxiating thoracic dystrophy 5. Last evaluated: 2019-08-13. Review status: criteria provided, single submitter. Criteria: Invitae Variant Classification Sherloc (09022015). Collection method: clinical testing. Allele origin: germline.
Comment: This sequence change replaces valine with alanine at codon 831 of the WDR19 protein (p.Val831Ala). The valine residue is moderately conserved and there is a small physicochemical difference between valine and alanine. This variant is not present in population databases (ExAC no frequency). This variant has not been reported in the literature in individuals with WDR19-related conditions. Algorithms developed to predict the effect of missense changes on protein structure and function output the following: SIFT: "Tolerated"; PolyPhen-2: "Benign"; Align-GVGD: "Class C0". The alanine amino acid residue is found in multiple mammalian species, suggesting that this missense change does not adversely affect protein function. These predictions have not been confirmed by published functional studies and their clinical significance is uncertain. In summary, the available evidence is currently insufficient to determine the role of this variant in disease. Therefore, it has been classified as a Variant of Uncertain Significance.

NM_025132.4(WDR19):c.2492T>C (p.Val831Ala)

Gene: WDR19 (WD repeat domain 19; plus strand). Cytogenetic location: 4p14.
Variant type: single nucleotide variant.
Coding change: c.2492T>C on transcript NM_025132.4 (MANE Select); coding-DNA position 2492, T replaced by C.
Protein change: p.Val831Ala; replaces valine 831 with alanine.
Molecular consequence: missense variant.
Genome position (GRCh38, 1-based): chr4:39,244,318, T>C. VCF-style: chr4-39244318-T-C. GRCh37 (hg19) VCF-style: chr4-39245938-T-C.
Other names: c.2012T>C, p.Val671Ala (NM_001317924.2); short protein forms V671A, V831A.
Identifiers: ClinVar variation 961389 (VCV000961389.10), dbSNP rs934792994, ClinGen allele CA95682004.